The following is an entry in ClinVar:

ClinVar aggregate classification (germline): Uncertain significance (1 of 4 stars; one submission).

gnomAD v4.1: 1 of 1,612,046 alleles (0.000062%); highest among the groups gnomAD compares: Non-Finnish European, 0.000085%; no homozygotes.

Submission:

Labcorp Genetics (formerly Invitae), Labcorp
Classification: Uncertain significance. Last evaluated: 2022-10-13. Review status: criteria provided, single submitter. Criteria: Invitae Variant Classification Sherloc (09022015). Collection method: clinical testing. Allele origin: germline.
Comment: This sequence change replaces arginine, which is basic and polar, with glycine, which is neutral and non-polar, at codon 551 of the FAM161A protein (p.Arg551Gly). This variant is not present in population databases (gnomAD no frequency). This variant has not been reported in the literature in individuals affected with FAM161A-related conditions. Algorithms developed to predict the effect of missense changes on protein structure and function are either unavailable or do not agree on the potential impact of this missense change (SIFT: "Deleterious"; PolyPhen-2: "Probably Damaging"; Align-GVGD: "Class C0"). In summary, the available evidence is currently insufficient to determine the role of this variant in disease. Therefore, it has been classified as a Variant of Uncertain Significance.

NM_001201543.2(FAM161A):c.1651A>G (p.Arg551Gly)

Gene: FAM161A (FAM161 centrosomal protein A; minus strand). Cytogenetic location: 2p15.
Variant type: single nucleotide variant.
Coding change: c.1651A>G on transcript NM_001201543.2 (MANE Select); coding-DNA position 1651, A replaced by G.
Protein change: p.Arg551Gly; replaces arginine 551 with glycine.
Molecular consequence: missense variant. On other transcripts: intron variant (1).
Genome position (GRCh38, 1-based): chr2:61,838,638, T>C on the plus strand (A>G on the coding strand, the complement: FAM161A is on the minus strand). VCF-style: chr2-61838638-T-C. GRCh37 (hg19) VCF-style: chr2-62065773-T-C.
Other names: c.1583+783A>G (NM_032180.3); short protein forms R551G.
Identifiers: ClinVar variation 2155310 (VCV002155310.1), dbSNP rs1181648787, ClinGen allele CA346986065.